The following is an entry in ClinVar:

ClinVar aggregate classification (germline): Uncertain significance. Review status: criteria provided, multiple submitters, no conflicts (2 of 4 stars). 2 submissions from 2 submitters: Uncertain significance (2). Last evaluated 2024-07-15.

Conditions:
Intellectual developmental disorder, autosomal recessive 37. Also called: Intellectual disability-hypotonia-spasticity-sleep disorder syndrome. Identifiers: Orphanet 356996, MedGen C3809672, MONDO:0014210, OMIM 615493.

gnomAD v4.1: 11 of 1,614,004 alleles (0.00068%); highest among the groups gnomAD compares: Admixed American, 0.0017%; no homozygotes.

Submissions (2):

Medical Genetics Clinic, University of Catania
Classification: Uncertain significance for Intellectual developmental disorder, autosomal recessive 37. Last evaluated: 2024-07-15. Review status: criteria provided, single submitter. Criteria: ACMG Guidelines, 2015. Collection method: clinical testing. Allele origin: maternal. Inheritance: Autosomal recessive inheritance. Affected: yes. Observed: 1 heterozygote.
Comment: The c.4586C>T p.(Ser1529Phe) variant of the ANK3 gene is not currently reported in the literature and has the following characteristics: • it is rare, found in 5 alleles out of a total of 282662 indexed in the database GnomAD; • it is located in exon 37 in the largest isoform of the gene (480 kDa; NM_020987.4), in a nucleotide position evolutionarily conserved in vertebrates (phyloP-Vertebrate=5.85/6.42; phyloP-Primate=0.58/0.65; PhastCons=1.00/1.00). In silico computational software (CADD-PHRED=28.3; Polyphen2=0.999/1.00; SIFT=0.00/0.00; MutationTaster=1.00/1.00, MutationAssessor=1.84/5.00) suggest the possibility of a detrimental effect on the structure/activity of the resulting protein. Pathogenic variants in ANK3, depending on zygosity, localization in different isoforms and type of variant, can be associated with different phenotypes of more or less severe neurodevelopmental disorders (OMIM615493) (PMID: 35794211, 23390136). In light of the above, the clinical role of ANK3 c.4586C>T p.(Ser1529Phe) variant cannot be determined. Therefore, it has been classified as a Variant of Uncertain Significance.

Fulgent Genetics
Classification: Uncertain significance for Intellectual developmental disorder, autosomal recessive 37. Last evaluated: 2024-02-23. Review status: criteria provided, single submitter. Criteria: ACMG Guidelines, 2015. Collection method: clinical testing. Allele origin: germline.

Literature cited by the submitters: PubMed 35794211 (cited by Medical Genetics Clinic, University of Catania); PubMed 23390136 (cited by Medical Genetics Clinic, University of Catania).

NM_020987.5(ANK3):c.4586C>T (p.Ser1529Phe)

Gene: ANK3 (ankyrin 3; minus strand). Cytogenetic location: 10q21.2.
Variant type: single nucleotide variant.
Coding change: c.4586C>T on transcript NM_020987.5 (MANE Select); coding-DNA position 4586, C replaced by T.
Protein change: p.Ser1529Phe; replaces serine 1529 with phenylalanine.
Molecular consequence: missense variant. On other transcripts: intron variant (4).
Genome position (GRCh38, 1-based): chr10:60,076,295, G>A on the plus strand (C>T on the coding strand, the complement: ANK3 is on the minus strand). VCF-style: chr10-60076295-G-A. GRCh37 (hg19) VCF-style: chr10-61836053-G-A.
Other names: p.Ser1529Phe; c.4387+4242C>T (NM_001204403.2); c.4408+4242C>T (NM_001204404.2); c.4405+4242C>T (NM_001320874.2); c.1807+4242C>T (NM_001149.4); c.4586C>T (NM_020987.4); short protein forms S1529F.
Identifiers: ClinVar variation 3596366 (VCV003596366.2).